The following is an entry in ClinVar:

NM_145239.3(PRRT2):c.891C>G (p.Ser297Arg)

Genes: MVP-DT (MVP divergent transcript; minus strand), PRRT2 (proline rich transmembrane protein 2; plus strand). Cytogenetic location: 16p11.2.
Variant type: single nucleotide variant.
Coding change: c.891C>G on transcript NM_145239.3 (MANE Select); coding-DNA position 891, C replaced by G.
Protein change: p.Ser297Arg; replaces serine 297 with arginine.
Molecular consequence: missense variant. On other transcripts: 3 prime UTR variant (1).
Genome position (GRCh38, 1-based): chr16:29,814,344, C>G. VCF-style: chr16-29814344-C-G. GRCh37 (hg19) VCF-style: chr16-29825665-C-G.
Other names: c.891C>G, p.Ser297Arg (NM_001256442.2); c.*390C>G (NM_001256443.2); short protein forms S297R.
Identifiers: ClinVar variation 957341 (VCV000957341.12), dbSNP rs1900136032, ClinGen allele CA395480496.

ClinVar aggregate classification (germline): Uncertain significance. Review status: criteria provided, multiple submitters, no conflicts (2 of 4 stars). 2 submissions from 2 submitters: Uncertain significance (2). Last evaluated 2026-02-01.

Conditions:
Episodic kinesigenic dyskinesia (EKD). Also called: Paroxysmal kinesigenic dyskinesia. Identifiers: Orphanet 98809, MedGen C1868682, MONDO:0044202.

Submissions (2):

Labcorp Genetics (formerly Invitae), Labcorp
Classification: Uncertain significance for Episodic kinesigenic dyskinesia. Last evaluated: 2026-02-01. Review status: criteria provided, single submitter. Criteria: Invitae Variant Classification Sherloc (09022015). Collection method: clinical testing. Allele origin: germline.
Comment: This sequence change replaces serine, which is neutral and polar, with arginine, which is basic and polar, at codon 297 of the PRRT2 protein (p.Ser297Arg). This variant is not present in population databases (gnomAD no frequency). This missense change has been observed in individual(s) with clinical features of PRRT2-related conditions (PMID: 36703223). ClinVar contains an entry for this variant (Variation ID: 957341). Invitae Evidence Modeling of protein sequence and biophysical properties (such as structural, functional, and spatial information, amino acid conservation, physicochemical variation, residue mobility, and thermodynamic stability) has been performed for this missense variant. However, the output from this modeling did not meet the statistical confidence thresholds required to predict the impact of this variant on PRRT2 protein function. In summary, the available evidence is currently insufficient to determine the role of this variant in disease. Therefore, it has been classified as a Variant of Uncertain Significance.

Dubai Health Genomic Medicine Center, Dubai Health
Classification: Uncertain significance. Last evaluated: 2022-12-17. Review status: criteria provided, single submitter. Criteria: ACMG Guidelines, 2015. Collection method: clinical testing. Allele origin: germline. Affected: yes.

Literature cited by the submitters: PubMed 36703223 (cited by Labcorp Genetics (formerly Invitae), Labcorp).